The following is an entry in ClinVar:

NM_000890.5(KCNJ5):c.133G>C (p.Glu45Gln)

Gene: KCNJ5 (potassium inwardly rectifying channel subfamily J member 5; plus strand). Cytogenetic location: 11q24.3.
Variant type: single nucleotide variant.
Coding change: c.133G>C on transcript NM_000890.5 (MANE Select); coding-DNA position 133, G replaced by C.
Protein change: p.Glu45Gln; replaces glutamic acid 45 with glutamine.
Molecular consequence: missense variant.
Genome position (GRCh38, 1-based): chr11:128,911,406, G>C. VCF-style: chr11-128911406-G-C. GRCh37 (hg19) VCF-style: chr11-128781301-G-C.
Other names: c.133G>C, p.Glu45Gln (NM_001354169.2); short protein forms E45Q.
Identifiers: ClinVar variation 1011128 (VCV001011128.9), dbSNP rs372447456, ClinGen allele CA383246044.

ClinVar aggregate classification (germline): Uncertain significance (1 of 4 stars; one submission).

Conditions:
Long QT syndrome (LQTS). Identifiers: MedGen C0023976, MeSH D008133, MONDO:0002442. Disease mechanism: loss of function. Inheritance: Various modes of inheritance.

Submission:

Labcorp Genetics (formerly Invitae), Labcorp
Classification: Uncertain significance for Long QT syndrome. Last evaluated: 2020-02-19. Review status: criteria provided, single submitter. Criteria: Invitae Variant Classification Sherloc (09022015). Collection method: clinical testing. Allele origin: germline.
Comment: This sequence change replaces glutamic acid with glutamine at codon 45 of the KCNJ5 protein (p.Glu45Gln). The glutamic acid residue is moderately conserved and there is a small physicochemical difference between glutamic acid and glutamine. This variant is not present in population databases (ExAC no frequency). This variant has not been reported in the literature in individuals with KCNJ5-related conditions. Algorithms developed to predict the effect of missense changes on protein structure and function (SIFT, PolyPhen-2, Align-GVGD) all suggest that this variant is likely to be tolerated, but these predictions have not been confirmed by published functional studies and their clinical significance is uncertain. In summary, the available evidence is currently insufficient to determine the role of this variant in disease. Therefore, it has been classified as a Variant of Uncertain Significance.